The following is an entry in ClinVar:

ClinVar aggregate classification (germline): Likely pathogenic (1 of 4 stars; one submission).

Conditions:
Dilated cardiomyopathy 1G (CMD1G). Identifiers: Orphanet 154, MedGen C1858763, MONDO:0011400, OMIM 604145.
Autosomal recessive limb-girdle muscular dystrophy type 2J (LGMDR10). Also called: Limb-girdle muscular dystrophy, type 2J; MUSCULAR DYSTROPHY, LIMB-GIRDLE, AUTOSOMAL RECESSIVE 10. Identifiers: Orphanet 140922, MedGen C1837342, MONDO:0012127, OMIM 608807.

Submission:

Labcorp Genetics (formerly Invitae), Labcorp
Classification: Likely pathogenic for Dilated cardiomyopathy 1G; Autosomal recessive limb-girdle muscular dystrophy type 2J. Last evaluated: 2024-10-18. Review status: criteria provided, single submitter. Criteria: Invitae Variant Classification Sherloc (09022015). Collection method: clinical testing. Allele origin: germline.
Comment: This sequence change creates a premature translational stop signal (p.Trp2652*) in the TTN gene. While this is not anticipated to result in nonsense mediated decay, it is expected to create a truncated TTN protein. This variant is not present in population databases (gnomAD no frequency). This variant has not been reported in the literature in individuals affected with TTN-related conditions. ClinVar contains an entry for this variant (Variation ID: 656606). This variant is located in the I band of TTN (PMID: 25589632). Truncating variants in this region have been reported in individuals affected with autosomal recessive centronuclear myopathy (PMID: 23975875, internal data). Truncating variants in this region have also been identified in individuals affected with autosomal dominant dilated cardiomyopathy and/or cardio-related conditions (PMID: 27869827, 32964742, internal data). In summary, the currently available evidence indicates that the variant is pathogenic, but additional data are needed to prove that conclusively. Therefore, this variant has been classified as Likely Pathogenic.

Literature cited by the submitters: PubMed 25589632; PubMed 23975875; PubMed 27869827; PubMed 32964742.

NM_001267550.2(TTN):c.7955G>A (p.Trp2652Ter)

Gene: TTN (titin; minus strand). Cytogenetic location: 2q31.2.
Variant type: single nucleotide variant.
Coding change: c.7955G>A on transcript NM_001267550.2 (MANE Select); coding-DNA position 7955, G replaced by A.
Protein change: p.Trp2652Ter; replaces tryptophan 2652 with a stop codon.
Molecular consequence: nonsense.
Genome position (GRCh38, 1-based): chr2:178,771,372, C>T on the plus strand (G>A on the coding strand, the complement: TTN is on the minus strand). VCF-style: chr2-178771372-C-T. GRCh37 (hg19) VCF-style: chr2-179636099-C-T.
Other names: c.7955G>A, p.Trp2652Ter (NM_001256850.1, NM_133378.4, NM_133379.5); c.7817G>A, p.Trp2606Ter (NM_003319.4, NM_133432.3, NM_133437.4); short protein forms W2606*, W2652*.
Identifiers: ClinVar variation 656606 (VCV000656606.9), dbSNP rs1574584676, ClinGen allele CA349678605.